The following is an entry in ClinVar:

ClinVar aggregate classification (germline): Likely benign (0 of 4 stars; one submission).

Conditions:
NUMA1-related disorder. Also called: NUMA1-related condition.

Allele frequency attached by ClinVar (database versions not stated): gnomAD exomes 0.00003; ExAC 0.00005; TOPMed 0.00009; gnomAD 0.00011; ESP Exome Variant Server 0.00015.
gnomAD v4.1: 58 of 1,614,052 alleles (0.0036%); highest among the groups gnomAD compares: African/African-American, 0.053%; no homozygotes.

Submission:

PreventionGenetics, part of Exact Sciences
Classification: Likely benign for NUMA1-related condition. Last evaluated: 2019-02-19. Review status: no assertion criteria provided. Collection method: clinical testing. Allele origin: germline.
Comment: This variant is classified as likely benign based on ACMG/AMP sequence variant interpretation guidelines (Richards et al. 2015 PMID: 25741868, with internal and published modifications).

NM_006185.4(NUMA1):c.1743T>C (p.His581=)

Genes: NUMA1 (nuclear mitotic apparatus protein 1; minus strand), NUMA1-AS1 (NUMA1 antisense RNA 1; plus strand). Cytogenetic location: 11q13.4.
Variant type: single nucleotide variant.
Coding change: c.1743T>C on transcript NM_006185.4 (MANE Select); coding-DNA position 1743, T replaced by C.
Protein change: p.His581=; no amino-acid change (histidine 581 retained).
Molecular consequence: synonymous variant.
Genome position (GRCh38, 1-based): chr11:72,015,760, A>G on the plus strand (T>C on the coding strand, the complement: NUMA1 is on the minus strand). VCF-style: chr11-72015760-A-G. GRCh37 (hg19) VCF-style: chr11-71726806-A-G.
Other names: c.1743T>C, p.His581= (NM_001286561.2).
Identifiers: ClinVar variation 3057307 (VCV003057307.2), dbSNP rs374216599, ClinGen allele CA6167556.